The following is an entry in ClinVar:

NM_133497.4(KCNV2):c.674A>C (p.Gln225Pro)

Gene: KCNV2 (potassium voltage-gated channel modifier subfamily V member 2; plus strand). Cytogenetic location: 9p24.2.
Variant type: single nucleotide variant.
Coding change: c.674A>C on transcript NM_133497.4 (MANE Select); coding-DNA position 674, A replaced by C.
Protein change: p.Gln225Pro; replaces glutamine 225 with proline.
Molecular consequence: missense variant.
Genome position (GRCh38, 1-based): chr9:2,718,413, A>C. VCF-style: chr9-2718413-A-C. GRCh37 (hg19) VCF-style: chr9-2718413-A-C.
Other names: short protein forms Q225P.
Identifiers: ClinVar variation 2071659 (VCV002071659.4), dbSNP rs2536972387, ClinGen allele CA372798673.

ClinVar aggregate classification (germline): Uncertain significance (1 of 4 stars; one submission).

Submission:

Labcorp Genetics (formerly Invitae), Labcorp
Classification: Uncertain significance. Last evaluated: 2022-11-28. Review status: criteria provided, single submitter. Criteria: Invitae Variant Classification Sherloc (09022015). Collection method: clinical testing. Allele origin: germline.
Comment: This sequence change replaces glutamine, which is neutral and polar, with proline, which is neutral and non-polar, at codon 225 of the KCNV2 protein (p.Gln225Pro). This variant is not present in population databases (gnomAD no frequency). This variant has not been reported in the literature in individuals affected with KCNV2-related conditions. Advanced modeling of protein sequence and biophysical properties (such as structural, functional, and spatial information, amino acid conservation, physicochemical variation, residue mobility, and thermodynamic stability) performed at Invitae indicates that this missense variant is not expected to disrupt KCNV2 protein function. In summary, the available evidence is currently insufficient to determine the role of this variant in disease. Therefore, it has been classified as a Variant of Uncertain Significance.